The following is an entry in ClinVar:

ClinVar aggregate classification (germline): Likely benign (1 of 4 stars; one submission).

Conditions:
NOTCH2-related disorder. Also called: NOTCH2-related condition.

Submission:

PreventionGenetics, part of Exact Sciences
Classification: Likely benign for NOTCH2-related condition. Last evaluated: 2025-07-08. Review status: criteria provided, single submitter. Criteria: ACMG Guidelines, 2015. Collection method: clinical testing. Allele origin: germline.
Comment: This variant is classified as likely benign based on ACMG/AMP sequence variant interpretation guidelines (Richards et al. 2015 PMID: 25741868, with internal and published modifications).

NM_024408.4(NOTCH2):c.1044T>G (p.Thr348=)

Gene: NOTCH2 (notch receptor 2; minus strand). Cytogenetic location: 1p12.
Variant type: single nucleotide variant.
Coding change: c.1044T>G on transcript NM_024408.4 (MANE Select); coding-DNA position 1044, T replaced by G.
Protein change: p.Thr348=; no amino-acid change (threonine 348 retained).
Molecular consequence: synonymous variant.
Genome position (GRCh38, 1-based): chr1:119,969,575, A>C on the plus strand (T>G on the coding strand, the complement: NOTCH2 is on the minus strand). VCF-style: chr1-119969575-A-C. GRCh37 (hg19) VCF-style: chr1-120512198-A-C.
Other names: c.1044T>G, p.Thr348= (NM_001200001.2).
Identifiers: ClinVar variation 4998303 (VCV004998303.1).
Genomic context (GRCh38, chr1:119,969,575, plus strand): 5'-CTTCCCCTCTGGGCACATGCAAGAGAAGGAGGCCACACGGTCGATGCAGGTGGAGCCTGG[A>C]GTACAGGAGGCGAAGGCACAATCATCAATGTTCTCACTGCAGTCATCTCCACTCCAGCCG-3'
Protein context (NP_077719.2, residues 338-358): NIDDCAFASC[Thr348=]PGSTCIDRVA